The following is an entry in ClinVar:

ClinVar aggregate classification (germline): Conflicting classifications of pathogenicity. Review status: criteria provided, conflicting classifications (1 of 4 stars). 2 submissions from 2 submitters: Uncertain significance (1); Likely benign (1). Last evaluated 2024-04-05.

Conditions:
Hereditary cancer-predisposing syndrome. Also called: Hereditary neoplastic syndrome; Neoplastic Syndromes, Hereditary; Tumor predisposition; Hereditary Cancer Syndrome. Identifiers: Orphanet 140162, MedGen C0027672, MeSH D009386, MONDO:0015356.
Hereditary breast ovarian cancer syndrome. Also called: Hereditary breast and/or ovarian cancer syndrome; Hereditary breast and ovarian cancer syndrome; Hereditary breast and ovarian cancer syndrome (HBOC); Breast and ovarian cancer; BRCA1- and BRCA2-Associated Hereditary Breast and Ovarian Cancer; Hereditary breast and ovarian cancer. Identifiers: Orphanet 145, MedGen C0677776, MeSH D061325, MONDO:0003582. Disease mechanism: loss of function.

Allele frequency attached by ClinVar (database versions not stated): gnomAD exomes below 0.00001; ExAC 0.00001.
gnomAD v4.1: 1 of 1,614,088 alleles (0.000062%); highest among the groups gnomAD compares: Non-Finnish European, 0.000085%; no homozygotes.

Submissions (2):

Labcorp Genetics (formerly Invitae), Labcorp
Classification: Uncertain significance for Hereditary breast ovarian cancer syndrome. Last evaluated: 2024-04-05. Review status: criteria provided, single submitter. Criteria: Invitae Variant Classification Sherloc (09022015). Collection method: clinical testing. Allele origin: germline.
Comment: This sequence change replaces aspartic acid, which is acidic and polar, with glycine, which is neutral and non-polar, at codon 749 of the BRCA1 protein (p.Asp749Gly). This variant is present in population databases (rs730881479, gnomAD 0.0009%). This variant has not been reported in the literature in individuals affected with BRCA1-related conditions. ClinVar contains an entry for this variant (Variation ID: 947747). Advanced modeling of protein sequence and biophysical properties (such as structural, functional, and spatial information, amino acid conservation, physicochemical variation, residue mobility, and thermodynamic stability) performed at Invitae indicates that this missense variant is not expected to disrupt BRCA1 protein function with a negative predictive value of 95%. In summary, the available evidence is currently insufficient to determine the role of this variant in disease. Therefore, it has been classified as a Variant of Uncertain Significance.

University of Washington Department of Laboratory Medicine, University of Washington
Classification: Likely benign for Hereditary cancer-predisposing syndrome. Last evaluated: 2023-03-23. Review status: criteria provided, single submitter. Criteria: Dines et al. (Genet Med. 2020). Collection method: curation. Allele origin: germline.
Comment: Missense variant in a coldspot region where missense variants are very unlikely to be pathogenic (PMID:31911673).

BRCA1 coldspot (exon 11 using historical exon numbering). Reclassification based on statistical prior probability

NM_007294.4(BRCA1):c.2246A>G (p.Asp749Gly)

Gene: BRCA1 (BRCA1 DNA repair associated; minus strand). Cytogenetic location: 17q21.31.
Variant type: single nucleotide variant.
Coding change: c.2246A>G on transcript NM_007294.4 (MANE Select); coding-DNA position 2246, A replaced by G.
Protein change: p.Asp749Gly; replaces aspartic acid 749 with glycine.
Molecular consequence: missense variant. On other transcripts: intron variant (137).
Genome position (GRCh38, 1-based): chr17:43,093,285, T>C on the plus strand (A>G on the coding strand, the complement: BRCA1 is on the minus strand). VCF-style: chr17-43093285-T-C. GRCh37 (hg19) VCF-style: chr17-41245302-T-C.
Other names: c.2033A>G, p.Asp678Gly (NM_001407571.1, NM_001407853.1, NM_001407894.1 and 9 more transcripts); c.2246A>G, p.Asp749Gly (NM_001407581.1, NM_001407582.1, NM_001407583.1 and 30 more transcripts); c.2243A>G, p.Asp748Gly (NM_001407611.1, NM_001407612.1, NM_001407613.1 and 22 more transcripts); c.2237A>G, p.Asp746Gly (NM_001407646.1, NM_001407647.1); c.2123A>G, p.Asp708Gly (NM_001407648.1, NM_001407664.1, NM_001407665.1 and 19 more transcripts); c.2120A>G, p.Asp707Gly (NM_001407649.1, NM_001407670.1, NM_001407671.1 and 11 more transcripts); c.2168A>G, p.Asp723Gly (NM_001407653.1, NM_001407654.1, NM_001407655.1 and 4 more transcripts); c.2165A>G, p.Asp722Gly (NM_001407659.1, NM_001407660.1, NM_001407661.1 and 1 more transcripts); and 41 more; short protein forms D702G, D749G, D638G, D660G, D661G, D622G, D453G, D581G.
Identifiers: ClinVar variation 947747 (VCV000947747.13), dbSNP rs730881479, ClinGen allele CA058707.